The following is an entry in ClinVar:

NM_002691.4(POLD1):c.2039C>G (p.Pro680Arg)

Gene: POLD1 (DNA polymerase delta 1, catalytic subunit; plus strand). Cytogenetic location: 19q13.33.
Variant type: single nucleotide variant.
Coding change: c.2039C>G on transcript NM_002691.4 (MANE Select); coding-DNA position 2039, C replaced by G.
Protein change: p.Pro680Arg; replaces proline 680 with arginine.
Molecular consequence: missense variant. On other transcripts: non-coding transcript variant (1).
Genome position (GRCh38, 1-based): chr19:50,409,551, C>G. VCF-style: chr19-50409551-C-G. GRCh37 (hg19) VCF-style: chr19-50912808-C-G.
Other names: c.2039C>G, p.Pro680Arg (NM_001256849.1); c.2117C>G, p.Pro706Arg (NM_001308632.1); short protein forms P706R, P680R.
Identifiers: ClinVar variation 2811096 (VCV002811096.3), dbSNP rs765557862, ClinGen allele CA406982506.

ClinVar aggregate classification (germline): Uncertain significance (1 of 4 stars; one submission).

Conditions:
POLD1-related polyposis and colorectal cancer syndrome (CRCS10). Also called: Colorectal cancer 10; Colorectal cancer, susceptibility to, 10; COLORECTAL CANCER, SUSCEPTIBILITY TO, ON CHROMOSOME 19q. Identifiers: Orphanet 220460, MedGen C2675481, MONDO:0012953, OMIM 612591.

Submission:

Labcorp Genetics (formerly Invitae), Labcorp
Classification: Uncertain significance for POLD1-related polyposis and colorectal cancer syndrome. Last evaluated: 2022-10-31. Review status: criteria provided, single submitter. Criteria: Invitae Variant Classification Sherloc (09022015). Collection method: clinical testing. Allele origin: germline.
Comment: This sequence change replaces proline, which is neutral and non-polar, with arginine, which is basic and polar, at codon 680 of the POLD1 protein (p.Pro680Arg). This variant is not present in population databases (gnomAD no frequency). This variant has not been reported in the literature in individuals affected with POLD1-related conditions. Advanced modeling of protein sequence and biophysical properties (such as structural, functional, and spatial information, amino acid conservation, physicochemical variation, residue mobility, and thermodynamic stability) performed at Invitae indicates that this missense variant is not expected to disrupt POLD1 protein function. In summary, the available evidence is currently insufficient to determine the role of this variant in disease. Therefore, it has been classified as a Variant of Uncertain Significance.